The following is an entry in ClinVar:

ClinVar aggregate classification (germline): Uncertain significance. Review status: criteria provided, multiple submitters, no conflicts (2 of 4 stars). 2 submissions from 2 submitters: Uncertain significance (2). Last evaluated 2022-08-21.

Conditions:
Immunodeficiency 104. Also called: Severe combined immunodeficiency, autosomal recessive, T cell-negative, B cell-positive, NK cell-positive; IMMUNODEFICIENCY 104, SEVERE COMBINED; Severe Combined Immune Deficiency, Autosomal Recessive, TCell -Negative, B Cell-Positive, NK Cell-Positive, IL7R-Related; SCID, AUTOSOMAL RECESSIVE, T CELL-NEGATIVE, B CELL-POSITIVE, NK CELL-POSITIVE. Identifiers: MedGen C5676890, MONDO:0012163, OMIM 608971.

Allele frequency attached by ClinVar (database versions not stated): gnomAD exomes below 0.00001.
gnomAD v4.1: 2 of 1,611,276 alleles (0.00012%); highest among the groups gnomAD compares: Admixed American, 0.0033%; no homozygotes.

Submissions (2):

Labcorp Genetics (formerly Invitae), Labcorp
Classification: Uncertain significance for Immunodeficiency 104. Last evaluated: 2022-08-21. Review status: criteria provided, single submitter. Criteria: Invitae Variant Classification Sherloc (09022015). Collection method: clinical testing. Allele origin: germline.
Comment: This sequence change replaces serine, which is neutral and polar, with asparagine, which is neutral and polar, at codon 659 of the PTPRC protein (p.Ser659Asn). This variant is not present in population databases (gnomAD no frequency). This variant has not been reported in the literature in individuals affected with PTPRC-related conditions. Algorithms developed to predict the effect of missense changes on protein structure and function are either unavailable or do not agree on the potential impact of this missense change (SIFT: "Deleterious"; PolyPhen-2: "Probably Damaging"; Align-GVGD: "Class C0"). In summary, the available evidence is currently insufficient to determine the role of this variant in disease. Therefore, it has been classified as a Variant of Uncertain Significance.

Blueprint Genetics
Classification: Uncertain significance. Last evaluated: 2021-05-31. Review status: criteria provided, single submitter. Criteria: ACMG Guidelines, 2015. Collection method: clinical testing. Allele origin: germline.

NM_002838.5(PTPRC):c.1976G>A (p.Ser659Asn)

Gene: PTPRC (protein tyrosine phosphatase receptor type C; plus strand). Cytogenetic location: 1q32.1.
Variant type: single nucleotide variant.
Coding change: c.1976G>A on transcript NM_002838.5 (MANE Select); coding-DNA position 1976, G replaced by A.
Protein change: p.Ser659Asn; replaces serine 659 with asparagine.
Molecular consequence: missense variant.
Genome position (GRCh38, 1-based): chr1:198,732,301, G>A. VCF-style: chr1-198732301-G-A. GRCh37 (hg19) VCF-style: chr1-198701430-G-A.
Other names: c.1493G>A, p.Ser498Asn (NM_080921.4); short protein forms S659N, S498N.
Identifiers: ClinVar variation 1955316 (VCV001955316.3), dbSNP rs955667806, ClinGen allele CA35898754.